The following is an entry in ClinVar:

ClinVar aggregate classification (germline): Uncertain significance (1 of 4 stars; one submission).

Allele frequency attached by ClinVar (database versions not stated): gnomAD exomes below 0.00001; TOPMed below 0.00001; gnomAD 0.00001.

Submission:

Ambry Genetics
Classification: Uncertain significance. Last evaluated: 2023-12-28. Review status: criteria provided, single submitter. Criteria: Ambry Variant Classification Scheme 2023. Collection method: clinical testing. Allele origin: germline.
Comment: The c.385G>A (p.A129T) alteration is located in exon (coding exon ) of the ASIC2 gene. This alteration results from a G to A substitution at nucleotide position 385, causing the alanine (A) at amino acid position 129 to be replaced by a threonine (T). Based on insufficient or conflicting evidence, the clinical significance of this alteration remains unclear.

NM_001094.5(ASIC2):c.385G>A (p.Ala129Thr)

Genes: ASIC2 (acid sensing ion channel subunit 2; minus strand), LOC105371735 (uncharacterized LOC105371735; plus strand). Cytogenetic location: 17q12.
Variant type: single nucleotide variant.
Coding change: c.385G>A on transcript NM_001094.5; coding-DNA position 385, G replaced by A.
Protein change: p.Ala129Thr; replaces alanine 129 with threonine.
Molecular consequence: missense variant. On other transcripts: non-coding transcript variant (1).
Genome position (GRCh38, 1-based): chr17:34,156,148, C>T on the plus strand (G>A on the coding strand, the complement: ASIC2 is on the minus strand). VCF-style: chr17-34156148-C-T. GRCh37 (hg19) VCF-style: chr17-32483167-C-T.
Other names: short protein forms A129T.
Identifiers: ClinVar variation 3130356 (VCV003130356.1), dbSNP rs1208204660, ClinGen allele CA399211089.